The following is an entry in ClinVar:

NM_000093.5(COL5A1):c.849del (p.Glu284fs)

Gene: COL5A1 (collagen type V alpha 1 chain; plus strand). Cytogenetic location: 9q34.3.
Variant type: Deletion.
Coding change: c.849del on transcript NM_000093.5 (MANE Select); coding-DNA position 849, one base deleted (C; older notation c.849delC).
Protein change: p.Glu284fs; shifts the reading frame from glutamic acid 284.
Molecular consequence: frameshift variant.
Genome position (GRCh38, 1-based): chr9:134,728,732, C deleted; the last of 4 consecutive C bases (chr9:134,728,729-134,728,732); deleting any one gives the same sequence. VCF-style (leftmost placement, unchanged base first): chr9-134728728-AC-A. GRCh37 (hg19) VCF-style: chr9-137620574-AC-A.
Other names: c.849delC (NM_000093.3); c.849del, p.Glu284fs (NM_001278074.1); short protein forms E284fs.
Identifiers: ClinVar variation 812725 (VCV000812725.9), dbSNP rs1588477255, ClinGen allele CA915947280.

ClinVar aggregate classification (germline): Pathogenic. Review status: criteria provided, multiple submitters, no conflicts (2 of 4 stars). 3 submissions from 3 submitters: Pathogenic (2). 1 of the submissions does not count toward it. Last evaluated 2022-11-23.

Conditions:
Ehlers-Danlos syndrome, classic type, 1 (EDSCL1). Also called: Ehlers-Danlos syndrome, type 1; Ehlers-Danlos Syndrome, Classic Type, COL5A1-Related; EDS I; EHLERS-DANLOS SYNDROME, GRAVIS TYPE; EHLERS-DANLOS SYNDROME, SEVERE CLASSIC TYPE. Identifiers: MedGen C0268335, MONDO:0019567, OMIM 130000.
Familial thoracic aortic aneurysm and aortic dissection (TAAD). Also called: Thoracic aortic aneurysms and dissections. Identifiers: Orphanet 91387, MedGen C4707243, MONDO:0019625.
Ehlers-Danlos syndrome, classic type (cEDS). Identifiers: Orphanet 287, MedGen C4225429, MONDO:0007522.

Submissions (3):

Ambry Genetics
Classification: Pathogenic for Familial thoracic aortic aneurysm and aortic dissection. Last evaluated: 2022-11-23. Review status: criteria provided, single submitter. Criteria: Ambry Variant Classification Scheme 2023. Collection method: clinical testing. Allele origin: germline.
Comment: The c.849delC pathogenic mutation, located in coding exon 6 of the COL5A1 gene, results from a deletion of one nucleotide at nucleotide position 849, causing a translational frameshift with a predicted alternate stop codon (p.E284Kfs*3). This alteration has been reported in a rare disease whole genome sequencing cohort (Turro E et al. Nature, 2020 07;583:96-102). This variant is considered to be rare based on population cohorts in the Genome Aggregation Database (gnomAD). This alteration is expected to result in loss of function by premature protein truncation or nonsense-mediated mRNA decay. As such, this alteration is interpreted as a disease-causing mutation.

Labcorp Genetics (formerly Invitae), Labcorp
Classification: Pathogenic for Ehlers-Danlos syndrome, classic type, 1. Last evaluated: 2021-12-18. Review status: criteria provided, single submitter. Criteria: Invitae Variant Classification Sherloc (09022015). Collection method: clinical testing. Allele origin: germline.
Comment: For these reasons, this variant has been classified as Pathogenic. ClinVar contains an entry for this variant (Variation ID: 812725). This variant has not been reported in the literature in individuals affected with COL5A1-related conditions. This variant is not present in population databases (gnomAD no frequency). This sequence change creates a premature translational stop signal (p.Glu284Lysfs*3) in the COL5A1 gene. It is expected to result in an absent or disrupted protein product. Loss-of-function variants in COL5A1 are known to be pathogenic (PMID: 23587214).

NIHR Bioresource Rare Diseases, University of Cambridge
Classification: Likely pathogenic for Ehlers-Danlos syndrome, classic type, 1. Review status: no assertion criteria provided. Collection method: research. Allele origin: unknown. Affected: yes. Observed: 1 variant allele. Not counted in ClinVar's aggregate classification.

Literature cited by the submitters: PubMed 32581362 (cited by Ambry Genetics and NIHR Bioresource Rare Diseases, University of Cambridge); PubMed 23587214 (cited by Labcorp Genetics (formerly Invitae), Labcorp).